The following is an entry in ClinVar:

ClinVar aggregate classification (germline): Uncertain significance. Review status: criteria provided, multiple submitters, no conflicts (2 of 4 stars). 2 submissions from 2 submitters: Uncertain significance (2). Last evaluated 2024-04-20.

Conditions:
Inborn genetic diseases. Identifiers: MedGen C0950123, MeSH D030342.

Allele frequency attached by ClinVar (database versions not stated): TOPMed 0.00002.
gnomAD v4.1: 6 of 1,614,242 alleles (0.00037%); highest among the groups gnomAD compares: African/African-American, 0.0027%; no homozygotes.

Submissions (2):

Ambry Genetics
Classification: Uncertain significance for Inborn genetic diseases. Last evaluated: 2024-04-20. Review status: criteria provided, single submitter. Criteria: Ambry Variant Classification Scheme 2023. Collection method: clinical testing. Allele origin: germline.

Labcorp Genetics (formerly Invitae), Labcorp
Classification: Uncertain significance. Last evaluated: 2022-09-27. Review status: criteria provided, single submitter. Criteria: Invitae Variant Classification Sherloc (09022015). Collection method: clinical testing. Allele origin: germline.
Comment: In summary, the available evidence is currently insufficient to determine the role of this variant in disease. Therefore, it has been classified as a Variant of Uncertain Significance. Algorithms developed to predict the effect of missense changes on protein structure and function are either unavailable or do not agree on the potential impact of this missense change (SIFT: "Deleterious"; PolyPhen-2: "Probably Damaging"; Align-GVGD: "Class C0"). ClinVar contains an entry for this variant (Variation ID: 1489211). This variant has not been reported in the literature in individuals affected with CUL7-related conditions. This variant is present in population databases (rs773729391, gnomAD 0.01%). This sequence change replaces arginine, which is basic and polar, with histidine, which is basic and polar, at codon 360 of the CUL7 protein (p.Arg360His).

NM_014780.5(CUL7):c.1079G>A (p.Arg360His)

Gene: CUL7 (cullin 7; minus strand). Cytogenetic location: 6p21.1.
Variant type: single nucleotide variant.
Coding change: c.1079G>A on transcript NM_014780.5 (MANE Select); coding-DNA position 1079, G replaced by A.
Protein change: p.Arg360His; replaces arginine 360 with histidine.
Molecular consequence: missense variant.
Genome position (GRCh38, 1-based): chr6:43,051,122, C>T on the plus strand (G>A on the coding strand, the complement: CUL7 is on the minus strand). VCF-style: chr6-43051122-C-T. GRCh37 (hg19) VCF-style: chr6-43018860-C-T.
Other names: c.1175G>A, p.Arg392His (NM_001168370.2, NM_001374872.1); c.1079G>A, p.Arg360His (NM_001374873.1, NM_001374874.1); c.1079G>A (NM_014780.4); short protein forms R392H, R360H.
Identifiers: ClinVar variation 1489211 (VCV001489211.8), dbSNP rs773729391, ClinGen allele CA3814241.
Genomic context (GRCh38, chr6:43,051,122, plus strand): 5'-CCCGGCTGCAGTGTGTCCCGCACATACAAAGCATAGGTATTGCCACTTGCGAACTCAGAA[C>T]GAGGGCGAAAACGTCTTGACCTCCTGAAGGAGGGCTGAGCCTGGGCAGCGGGGAGCCCTG-3'
Protein context (NP_055595.2, residues 350-370): SFRRSRRFRP[Arg360His]SEFASGNTYA